The following is an entry in ClinVar:

ClinVar aggregate classification (germline): Likely benign (0 of 4 stars; one submission).

Conditions:
FGF20-related disorder. Also called: FGF20-related condition.

Allele frequency attached by ClinVar (database versions not stated): TOPMed 0.00003; ESP Exome Variant Server 0.00008; ExAC 0.00002; gnomAD 0.00002.
gnomAD v4.1: 23 of 1,613,884 alleles (0.0014%); highest among the groups gnomAD compares: East Asian, 0.0089%; no homozygotes.

Submission:

PreventionGenetics, part of Exact Sciences
Classification: Likely benign for FGF20-related condition. Last evaluated: 2020-04-20. Review status: no assertion criteria provided. Collection method: clinical testing. Allele origin: germline.
Comment: This variant is classified as likely benign based on ACMG/AMP sequence variant interpretation guidelines (Richards et al. 2015 PMID: 25741868, with internal and published modifications).

NM_019851.3(FGF20):c.534C>T (p.Gly178=)

Gene: FGF20 (fibroblast growth factor 20; minus strand). Cytogenetic location: 8p22.
Variant type: single nucleotide variant.
Coding change: c.534C>T on transcript NM_019851.3 (MANE Select); coding-DNA position 534, C replaced by T.
Protein change: p.Gly178=; no amino-acid change (glycine 178 retained).
Molecular consequence: synonymous variant.
Genome position (GRCh38, 1-based): chr8:16,993,174, G>A on the plus strand (C>T on the coding strand, the complement: FGF20 is on the minus strand). VCF-style: chr8-16993174-G-A. GRCh37 (hg19) VCF-style: chr8-16850683-G-A.
Identifiers: ClinVar variation 3054080 (VCV003054080.2), dbSNP rs373023438, ClinGen allele CA4641569.